The following is an entry in ClinVar:

ClinVar aggregate classification (germline): Uncertain significance (1 of 4 stars; one submission).

Submission:

Labcorp Genetics (formerly Invitae), Labcorp
Classification: Uncertain significance. Last evaluated: 2023-03-03. Review status: criteria provided, single submitter. Criteria: Invitae Variant Classification Sherloc (09022015). Collection method: clinical testing. Allele origin: germline.
Comment: In summary, the available evidence is currently insufficient to determine the role of this variant in disease. Therefore, it has been classified as a Variant of Uncertain Significance. Advanced modeling of protein sequence and biophysical properties (such as structural, functional, and spatial information, amino acid conservation, physicochemical variation, residue mobility, and thermodynamic stability) performed at Invitae indicates that this missense variant is not expected to disrupt MYO15A protein function. This variant has not been reported in the literature in individuals affected with MYO15A-related conditions. This variant is not present in population databases (gnomAD no frequency). This sequence change replaces alanine, which is neutral and non-polar, with proline, which is neutral and non-polar, at codon 708 of the MYO15A protein (p.Ala708Pro).

NM_016239.4(MYO15A):c.2122G>C (p.Ala708Pro)

Gene: MYO15A (myosin XVA; plus strand). Cytogenetic location: 17p11.2.
Variant type: single nucleotide variant.
Coding change: c.2122G>C on transcript NM_016239.4 (MANE Select); coding-DNA position 2122, G replaced by C.
Protein change: p.Ala708Pro; replaces alanine 708 with proline.
Molecular consequence: missense variant.
Genome position (GRCh38, 1-based): chr17:18,120,922, G>C. VCF-style: chr17-18120922-G-C. GRCh37 (hg19) VCF-style: chr17-18024236-G-C.
Other names: short protein forms A708P.
Identifiers: ClinVar variation 2842727 (VCV002842727.3), dbSNP rs1354947463, ClinGen allele CA398580956.
Genomic context (GRCh38, chr17:18,120,922, plus strand): 5'-CCCCGGCCGGCCTCGCCCTACGGCTCCCTCCGCCGCCACCCGCCGCCCTGGGCCGCCCCA[G>C]CGCACGTGCCACCGGCGCCGCAGGCCAGCTGGTGGGCCTTCGTGGAGCCCCCTGCCGTGA-3'
Protein context (NP_057323.3, residues 698-718): RRHPPPWAAP[Ala708Pro]HVPPAPQASW